The following is an entry in ClinVar:

ClinVar aggregate classification (germline): Likely benign. Review status: criteria provided, multiple submitters, no conflicts (2 of 4 stars). 2 submissions from 2 submitters: Likely benign (2). Last evaluated 2026-06-01.

gnomAD v4.1: 991 of 1,614,116 alleles (0.061%); highest among the groups gnomAD compares: East Asian, 1.2%; 6 homozygotes.

Submissions (2):

CeGaT Center for Human Genetics Tuebingen
Classification: Likely benign. Last evaluated: 2026-06-01. Review status: criteria provided, single submitter. Criteria: CeGaT Center For Human Genetics Tuebingen Variant Classification Criteria Version 2. Collection method: clinical testing. Allele origin: germline. Affected: yes. Observed: 1 variant allele.
Comment: MIA3: BP4, BP7, BS1

Blueprint Genetics
Classification: Likely benign. Last evaluated: 2024-10-30. Review status: criteria provided, single submitter. Criteria: ACMG Guidelines, 2015. Collection method: clinical testing. Allele origin: germline.

NM_198551.4(MIA3):c.2709G>A (p.Ser903=)

Gene: MIA3 (MIA SH3 domain ER export factor 3; plus strand). Cytogenetic location: 1q41.
Variant type: single nucleotide variant.
Coding change: c.2709G>A on transcript NM_198551.4 (MANE Select); coding-DNA position 2709, G replaced by A.
Protein change: p.Ser903=; no amino-acid change (serine 903 retained).
Molecular consequence: synonymous variant.
Genome position (GRCh38, 1-based): chr1:222,629,929, G>A. VCF-style: chr1-222629929-G-A. GRCh37 (hg19) VCF-style: chr1-222803271-G-A.
Other names: c.2709G>A, p.Ser903= (NM_001324062.2, NM_001324063.2); c.2217G>A, p.Ser739= (NM_001324064.2).
Identifiers: ClinVar variation 4872232 (VCV004872232.3).